The following is an entry in ClinVar:

NM_000051.4(ATM):c.6572+11C>T

Genes: ATM (ATM serine/threonine kinase; plus strand), C11orf65 (chromosome 11 open reading frame 65; minus strand). Cytogenetic location: 11q22.3.
Variant type: single nucleotide variant.
Coding change: c.6572+11C>T on transcript NM_000051.4 (MANE Select); 11 bases into the intron after coding-DNA position 6572, C replaced by T.
Molecular consequence: intron variant.
Genome position (GRCh38, 1-based): chr11:108,321,431, C>T. VCF-style: chr11-108321431-C-T. GRCh37 (hg19) VCF-style: chr11-108192158-C-T.
Other names: c.6572+11C>T (NM_001351834.2); c.641-12360G>A (NM_001330368.2); c.*39-12360G>A (NM_001351110.2).
Identifiers: ClinVar variation 490663 (VCV000490663.16), dbSNP rs368049107, ClinGen allele CA6265970.

ClinVar aggregate classification (germline): Conflicting classifications of pathogenicity. Review status: criteria provided, conflicting classifications (1 of 4 stars). 7 submissions from 7 submitters: Uncertain significance (1); Benign (1); Likely benign (5). Last evaluated 2026-01-19.

Conditions:
Hereditary cancer-predisposing syndrome. Also called: Neoplastic Syndromes, Hereditary; Hereditary Cancer Syndrome; Tumor predisposition; Hereditary neoplastic syndrome. Identifiers: Orphanet 140162, MedGen C0027672, MeSH D009386, MONDO:0015356.
Familial cancer of breast. Also called: Hereditary breast cancer; BREAST CANCER, FAMILIAL; hereditary breast carcinoma. Identifiers: Orphanet 227535, MedGen C0346153, MONDO:0016419, OMIM 114480. Disease mechanism: loss of function.
Ataxia-telangiectasia syndrome (AT). Also called: LOUIS-BAR SYNDROME; Cerebello-oculocutaneous telangiectasia; Immunodeficiency with ataxia telangiectasia; Ataxia-telangiectasia, complementation group D; AT, COMPLEMENTATION GROUP C; Ataxia-telangiectasia, complementation group E. Identifiers: Orphanet 100, MedGen C0004135, MONDO:0008840, OMIM 208900.

Allele frequency attached by ClinVar (database versions not stated): gnomAD exomes 0.00008 and 0.00004; gnomAD 0.00010; ESP Exome Variant Server 0.00015; ExAC 0.00002; TOPMed 0.00008.
gnomAD v4.1: 132 of 1,613,760 alleles (0.0082%); highest among the groups gnomAD compares: Admixed American, 0.018%; no homozygotes.

Submissions (7):

Labcorp Genetics (formerly Invitae), Labcorp
Classification: Likely benign for Ataxia-telangiectasia syndrome. Last evaluated: 2026-01-19. Review status: criteria provided, single submitter. Criteria: Invitae Variant Classification Sherloc (09022015). Collection method: clinical testing. Allele origin: germline.

Center for Genomic Medicine, Rigshospitalet, Copenhagen University Hospital
Classification: Likely benign. Last evaluated: 2025-12-29. Review status: criteria provided, single submitter. Criteria: ACMG Guidelines, 2015. Collection method: clinical testing. Allele origin: germline.

Blueprint Genetics
Classification: Likely benign. Last evaluated: 2024-08-27. Review status: criteria provided, single submitter. Criteria: ACMG Guidelines, 2015. Collection method: clinical testing. Allele origin: germline.

Department of Pathology and Laboratory Medicine, Sinai Health System
Classification: Likely benign for Familial cancer of breast. Last evaluated: 2022-06-21. Review status: criteria provided, single submitter. Criteria: ACMG Guidelines, 2015. Collection method: clinical testing. Allele origin: germline. Affected: yes.

Sema4
Classification: Uncertain significance for Hereditary cancer-predisposing syndrome. Last evaluated: 2021-07-07. Review status: criteria provided, single submitter. Criteria: Sema4 Curation Guidelines. Collection method: curation. Allele origin: germline.
Comment: The ATM c.6572+11C>T variant has been reported in at least two individuals with breast cancer, and was also identified in a healthy control individual (PMID: 28779002). It was observed in 4/35440 chromosomes of the Latino subpopulation in the large and broad cohorts of the Genome Aggregation Database (PMID: 32461654). This variant has been reported in ClinVar (Variation ID 490663). The evidence is insufficient to meet ACMG/AMP criteria for classifying the variant as benign or pathogenic. Thus, the clinical significance of this variant is currently uncertain.

Color Diagnostics, LLC DBA Color Health
Classification: Likely benign for Hereditary cancer-predisposing syndrome. Last evaluated: 2015-08-13. Review status: criteria provided, single submitter. Criteria: ACMG Guidelines, 2015. Collection method: clinical testing. Allele origin: germline.

GeneDx
Classification: Benign. Last evaluated: 2015-03-03. Review status: criteria provided, single submitter. Criteria: GeneDx Variant Classification Process June 2021. Collection method: clinical testing. Allele origin: germline. Affected: yes.

Literature cited by the submitters: PubMed 28779002 (cited by Sema4).